The following is an entry in ClinVar:

ClinVar aggregate classification (germline): Uncertain significance (1 of 4 stars; one submission).

Conditions:
Autosomal recessive limb-girdle muscular dystrophy. Identifiers: Orphanet 102015, MedGen C2931907, MONDO:0015152.

Allele frequency attached by ClinVar (database versions not stated): gnomAD exomes 0.00001.
gnomAD v4.1: 2 of 829,056 alleles (0.00024%); highest among the groups gnomAD compares: Non-Finnish European, 0.00037%; no homozygotes.

Submission:

Broad Center for Mendelian Genomics, Broad Institute of MIT and Harvard
Classification: Uncertain significance for Autosomal recessive limb-girdle muscular dystrophy. Last evaluated: 2023-05-02. Review status: criteria provided, single submitter. Criteria: ACMG Guidelines, 2015. Collection method: curation. Allele origin: germline. Inheritance: Autosomal recessive inheritance.
Comment: The heterozygous c.1354+129T>A variant in CAPN3 was identified by our study, in the compound heterozygous state with a pathogenic variant (ClinVar Variation ID: 17621), in two siblings with limb-girdle muscular dystrophy. These individuals also carried a pathogenic variant (ClinVar Variation ID: 17621), however the phase of these variants are unknown at this time. The c.1354+129T>A variant in CAPN3 has not been previously reported in individuals with autosomal recessive limb girdle muscular dystrophy. This variant was absent from large population studies. RNA-seq analysis performed on patient muscle tissue shows evidence that the variant introduces a toxic exon (an alternative exon that contains a premature termination codon). This variant is located in the 5‚Äô splice region. Computational tools do suggest an impact to splicing. However, this information is not predictive enough to determine pathogenicity. In summary, while there is some suspicion for a pathogenic role, the clinical significance of this variant is uncertain. ACMG/AMP Criteria applied: PS3_Moderate, PM2_Supporting, PM3 (Richards 2015).

NM_000070.3(CAPN3):c.1354+129T>A

Gene: CAPN3 (calpain 3; plus strand). Cytogenetic location: 15q15.1.
Variant type: single nucleotide variant.
Coding change: c.1354+129T>A on transcript NM_000070.3 (MANE Select); 129 bases into the intron after coding-DNA position 1354, T replaced by A.
Molecular consequence: intron variant.
Genome position (GRCh38, 1-based): chr15:42,399,781, T>A. VCF-style: chr15-42399781-T-A. GRCh37 (hg19) VCF-style: chr15-42691979-T-A.
Other names: NM_173087.2:c.1210+129T>A; c.1354+129T>A (NM_024344.2); c.1210+129T>A (NM_173087.2).
Identifiers: ClinVar variation 2500947 (VCV002500947.1), dbSNP rs2548274294, ClinGen allele CA2573331838.